The following is an entry in ClinVar:

ClinVar aggregate classification (germline): Uncertain significance (1 of 4 stars; one submission).

gnomAD v4.1: 1 of 1,612,712 alleles (0.000062%); highest among the groups gnomAD compares: South Asian, 0.0011%; no homozygotes.

Submission:

GeneDx
Classification: Uncertain significance. Last evaluated: 2026-02-25. Review status: criteria provided, single submitter. Criteria: GeneDx Variant Classification Process June 2021. Collection method: clinical testing. Allele origin: germline.
Comment: Not observed at significant frequency in large population cohorts (gnomAD); In silico analysis suggests that this missense variant does not alter protein structure/function; Has not been previously published as pathogenic or benign to our knowledge

NM_005754.3(G3BP1):c.988C>A (p.Pro330Thr)

Gene: G3BP1 (G3BP stress granule assembly factor 1; plus strand). Cytogenetic location: 5q33.1.
Variant type: single nucleotide variant.
Coding change: c.988C>A on transcript NM_005754.3 (MANE Select); coding-DNA position 988, C replaced by A.
Protein change: p.Pro330Thr; replaces proline 330 with threonine.
Molecular consequence: missense variant.
Genome position (GRCh38, 1-based): chr5:151,800,250, C>A. VCF-style: chr5-151800250-C-A. GRCh37 (hg19) VCF-style: chr5-151179811-C-A.
Other names: c.988C>A, p.Pro330Thr (NM_198395.2); short protein forms P330T.
Identifiers: ClinVar variation 5008038 (VCV005008038.1).